The following is an entry in ClinVar:

ClinVar aggregate classification (germline): Uncertain significance (1 of 4 stars; one submission).

Submission:

Labcorp Genetics (formerly Invitae), Labcorp
Classification: Uncertain significance. Last evaluated: 2023-12-26. Review status: criteria provided, single submitter. Criteria: Invitae Variant Classification Sherloc (09022015). Collection method: clinical testing. Allele origin: germline.
Comment: This sequence change creates a premature translational stop signal (p.Glu556*) in the ANKZF1 gene. It is expected to result in an absent or disrupted protein product. However, the current clinical and genetic evidence is not sufficient to establish whether loss-of-function variants in ANKZF1 cause disease. This variant is not present in population databases (gnomAD no frequency). This variant has not been reported in the literature in individuals affected with ANKZF1-related conditions. In summary, the available evidence is currently insufficient to determine the role of this variant in disease. Therefore, it has been classified as a Variant of Uncertain Significance.

NM_018089.3(ANKZF1):c.1666G>T (p.Glu556Ter)

Gene: ANKZF1 (ankyrin repeat and zinc finger peptidyl tRNA hydrolase 1; plus strand). Cytogenetic location: 2q35.
Variant type: single nucleotide variant.
Coding change: c.1666G>T on transcript NM_018089.3 (MANE Select); coding-DNA position 1666, G replaced by T.
Protein change: p.Glu556Ter; replaces glutamic acid 556 with a stop codon.
Molecular consequence: nonsense.
Genome position (GRCh38, 1-based): chr2:219,235,287, G>T. VCF-style: chr2-219235287-G-T. GRCh37 (hg19) VCF-style: chr2-220100009-G-T.
Other names: c.1666G>T, p.Glu556Ter (NM_001042410.2); c.1036G>T, p.Glu346Ter (NM_001282792.2); short protein forms E346*, E556*.
Identifiers: ClinVar variation 2705588 (VCV002705588.3), dbSNP rs2544929818, ClinGen allele CA350683215.